The following is an entry in ClinVar:

ClinVar aggregate classification (germline): Uncertain significance (1 of 4 stars; one submission).

Submission:

GeneDx
Classification: Uncertain significance. Last evaluated: 2024-03-12. Review status: criteria provided, single submitter. Criteria: GeneDx Variant Classification Process June 2021. Collection method: clinical testing. Allele origin: germline. Affected: yes.
Comment: Not observed at significant frequency in large population cohorts (gnomAD); In silico analysis supports that this missense variant does not alter protein structure/function; Has not been previously published as pathogenic or benign to our knowledge

NM_001003694.2(BRPF1):c.2956C>A (p.Pro986Thr)

Gene: BRPF1 (bromodomain and PHD finger containing 1; plus strand). Cytogenetic location: 3p25.3.
Variant type: single nucleotide variant.
Coding change: c.2956C>A on transcript NM_001003694.2 (MANE Select); coding-DNA position 2956, C replaced by A.
Protein change: p.Pro986Thr; replaces proline 986 with threonine.
Molecular consequence: missense variant. On other transcripts: non-coding transcript variant (1).
Genome position (GRCh38, 1-based): chr3:9,745,043, C>A. VCF-style: chr3-9745043-C-A. GRCh37 (hg19) VCF-style: chr3-9786727-C-A.
Other names: c.2653C>A, p.Pro885Thr (NM_001319049.2); c.2935C>A, p.Pro979Thr (NM_001319050.2); c.2953C>A, p.Pro985Thr (NM_001410704.1); c.2938C>A, p.Pro980Thr (NM_004634.3); short protein forms P885T, P979T, P980T, P985T, P986T.
Identifiers: ClinVar variation 3373492 (VCV003373492.1).
Genomic context (GRCh38, chr3:9,745,043, plus strand): 5'-CCTCCTCCCCTTCCCTTCAACCAAGACTTACCAGCCAATGGCTTCAGCGGTGGAAACCAA[C>A]CAGTGAAGAAGAGTTTCTTGGTATACCGTAATGACTGCAGCCTTCCCCGGAGCAGCTCAG-3'
Protein context (NP_001003694.1, residues 976-996): PANGFSGGNQ[Pro986Thr]VKKSFLVYRN